The following is an entry in ClinVar:

NM_000282.4(PCCA):c.841A>C (p.Asn281His)

Gene: PCCA (propionyl-CoA carboxylase subunit alpha; plus strand). Cytogenetic location: 13q32.3.
Variant type: single nucleotide variant.
Coding change: c.841A>C on transcript NM_000282.4 (MANE Select); coding-DNA position 841, A replaced by C.
Protein change: p.Asn281His; replaces asparagine 281 with histidine.
Molecular consequence: missense variant. On other transcripts: 5 prime UTR variant (3), non-coding transcript variant (5).
Genome position (GRCh38, 1-based): chr13:100,268,710, A>C. VCF-style: chr13-100268710-A-C. GRCh37 (hg19) VCF-style: chr13-100920964-A-C.
Other names: c.763A>C, p.Asn255His (NM_001127692.3, NM_001352607.2, NM_001352608.2); c.841A>C, p.Asn281His (NM_001178004.2, NM_001352605.2, NM_001352606.2 and 1 more transcripts); c.-105A>C (NM_001352610.2, NM_001352611.2, NM_001352612.2); short protein forms N255H, N281H.
Identifiers: ClinVar variation 1357163 (VCV001357163.8), dbSNP rs2152572294, ClinGen allele CA388694494.

ClinVar aggregate classification (germline): Uncertain significance (1 of 4 stars; one submission).

Conditions:
Propionic acidemia (PROP). Also called: HYPERGLYCINEMIA WITH KETOACIDOSIS AND LEUKOPENIA; KETOTIC HYPERGLYCINEMIA; GLYCINEMIA, KETOTIC. Identifiers: Orphanet 35, MedGen C0268579, MONDO:0011628, OMIM 606054, HP:0003571.

Submission:

Labcorp Genetics (formerly Invitae), Labcorp
Classification: Uncertain significance for Propionic acidemia. Last evaluated: 2021-04-04. Review status: criteria provided, single submitter. Criteria: Invitae Variant Classification Sherloc (09022015). Collection method: clinical testing. Allele origin: germline.
Comment: This variant has not been reported in the literature in individuals with PCCA-related conditions. This variant is not present in population databases (ExAC no frequency). This sequence change replaces asparagine with histidine at codon 281 of the PCCA protein (p.Asn281His). The asparagine residue is highly conserved and there is a small physicochemical difference between asparagine and histidine. Advanced modeling of protein sequence and biophysical properties (such as structural, functional, and spatial information, amino acid conservation, physicochemical variation, residue mobility, and thermodynamic stability) performed at Invitae indicates that this missense variant is expected to disrupt PCCA protein function. In summary, the available evidence is currently insufficient to determine the role of this variant in disease. Therefore, it has been classified as a Variant of Uncertain Significance.